The following is an entry in ClinVar:

NM_001278716.2(FBXL4):c.1773T>C (p.Asp591=)

Gene: FBXL4 (F-box and leucine rich repeat protein 4; minus strand). Cytogenetic location: 6q16.1.
Variant type: single nucleotide variant.
Coding change: c.1773T>C on transcript NM_001278716.2 (MANE Select); coding-DNA position 1773, T replaced by C.
Protein change: p.Asp591=; no amino-acid change (aspartic acid 591 retained).
Molecular consequence: synonymous variant. On other transcripts: non-coding transcript variant (1).
Genome position (GRCh38, 1-based): chr6:98,874,371, A>G on the plus strand (T>C on the coding strand, the complement: FBXL4 is on the minus strand). VCF-style: chr6-98874371-A-G. GRCh37 (hg19) VCF-style: chr6-99322247-A-G.
Other names: c.1773T>C, p.Asp591= (NM_012160.5).
Identifiers: ClinVar variation 437813 (VCV000437813.1), dbSNP rs776141903, ClinGen allele CA3933344.

ClinVar aggregate classification (germline): Uncertain significance (1 of 4 stars; one submission).

Conditions:
Mitochondrial DNA depletion syndrome 13. Also called: FBXL4-Related Encephalomyopathic Mitochondrial DNA Depletion Syndrome; Mitochondrial DNA depletion syndrome 13 (encephalomyopathic type). Identifiers: Orphanet 369897, MedGen C3809592, MONDO:0014198, OMIM 615471.

Allele frequency attached by ClinVar (database versions not stated): gnomAD exomes below 0.00001 and 0.00001; ExAC 0.00002.
gnomAD v4.1: 1 of 1,613,452 alleles (0.000062%); highest among the groups gnomAD compares: Non-Finnish European, 0.000085%; no homozygotes.

Submission:

Wong Mito Lab, Molecular and Human Genetics, Baylor College of Medicine
Classification: Uncertain significance for Mitochondrial DNA depletion syndrome 13. Last evaluated: 2017-08-10. Review status: criteria provided, single submitter. Criteria: ACMG Guidelines, 2015. Collection method: reference population. Allele origin: germline.
Comment: The NM_012160.4:c.1773T>C (NP_036292.2:p.Asp591=) [GRCH38: NC_000006.12:g.98874371A>G] variant in FBXL4 gene is interpretated to be a Uncertain Significance - Conflicting Evidence based on ACMG guidelines (PMID: 25741868). This variant meets one or more of the following evidence codes reported in the ACMG-guideline. PM2:This variant is absent in key population databases. BP4:Computational evidence/predictors indicate no impact on the FBXL4 structure, function, or protein-protein interaction. BP7:The variant is silent with non predicted splice impact. Based on this evidence code ClinGen Pathogenicity Calculator (PMID:28081714) suggested that the variant is Uncertain Significance - Conflicting Evidence.